The following is an entry in ClinVar:

NM_001909.5(CTSD):c.491C>T (p.Ser164Leu)

Gene: CTSD (cathepsin D; minus strand). Cytogenetic location: 11p15.5.
Variant type: single nucleotide variant.
Coding change: c.491C>T on transcript NM_001909.5 (MANE Select); coding-DNA position 491, C replaced by T.
Protein change: p.Ser164Leu; replaces serine 164 with leucine.
Molecular consequence: missense variant.
Genome position (GRCh38, 1-based): chr11:1,757,537, G>A on the plus strand (C>T on the coding strand, the complement: CTSD is on the minus strand). VCF-style: chr11-1757537-G-A. GRCh37 (hg19) VCF-style: chr11-1778767-G-A.
Other names: short protein forms S164L.
Identifiers: ClinVar variation 955342 (VCV000955342.8), dbSNP rs1845824897, ClinGen allele CA379096265.

ClinVar aggregate classification (germline): Conflicting classifications of pathogenicity. Review status: criteria provided, conflicting classifications (1 of 4 stars). 2 submissions from 2 submitters: Uncertain significance (1); Likely benign (1). Last evaluated 2023-05-16.

Conditions:
Neuronal ceroid lipofuscinosis. Also called: Neuronal Ceroid Lipofuscinoses. Identifiers: Orphanet 216, Orphanet 79263, MedGen C0027877, MONDO:0016295. Disease mechanism: loss of function.

Allele frequency attached by ClinVar (database versions not stated): gnomAD exomes below 0.00001; gnomAD 0.00001.
gnomAD v4.1: 4 of 1,611,810 alleles (0.00025%); highest among the groups gnomAD compares: South Asian, 0.0011%; no homozygotes.

Submissions (2):

Blueprint Genetics
Classification: Likely benign. Last evaluated: 2023-05-16. Review status: criteria provided, single submitter. Criteria: ACMG Guidelines, 2015. Collection method: clinical testing. Allele origin: germline.

Labcorp Genetics (formerly Invitae), Labcorp
Classification: Uncertain significance for Neuronal ceroid lipofuscinosis. Last evaluated: 2022-08-01. Review status: criteria provided, single submitter. Criteria: Invitae Variant Classification Sherloc (09022015). Collection method: clinical testing. Allele origin: germline.
Comment: This sequence change replaces serine, which is neutral and polar, with leucine, which is neutral and non-polar, at codon 164 of the CTSD protein (p.Ser164Leu). This variant is not present in population databases (gnomAD no frequency). This variant has not been reported in the literature in individuals affected with CTSD-related conditions. ClinVar contains an entry for this variant (Variation ID: 955342). Algorithms developed to predict the effect of missense changes on protein structure and function output the following: SIFT: "Tolerated"; PolyPhen-2: "Benign"; Align-GVGD: "Class C0". The leucine amino acid residue is found in multiple mammalian species, which suggests that this missense change does not adversely affect protein function. In summary, the available evidence is currently insufficient to determine the role of this variant in disease. Therefore, it has been classified as a Variant of Uncertain Significance.